The following is an entry in ClinVar:

ClinVar aggregate classification (germline): Uncertain significance (1 of 4 stars; one submission).

Allele frequency attached by ClinVar (database versions not stated): ESP Exome Variant Server 0.00008; ExAC 0.00009; gnomAD 0.00009; gnomAD exomes 0.00009; TOPMed 0.00010; 1000 Genomes Project 0.00020; 1000 Genomes Project 30x 0.00031.
gnomAD v4.1: 146 of 1,613,946 alleles (0.009%); highest among the groups gnomAD compares: Non-Finnish European, 0.011%; no homozygotes.

Submission:

Labcorp Genetics (formerly Invitae), Labcorp
Classification: Uncertain significance. Last evaluated: 2026-02-01. Review status: criteria provided, single submitter. Criteria: Invitae Variant Classification Sherloc (09022015). Collection method: clinical testing. Allele origin: germline.
Comment: This sequence change replaces glycine, which is neutral and non-polar, with arginine, which is basic and polar, at codon 617 of the FAT2 protein (p.Gly617Arg). This variant is present in population databases (rs185188395, gnomAD 0.02%). This variant has not been reported in the literature in individuals affected with FAT2-related conditions. ClinVar contains an entry for this variant (Variation ID: 2186095). Invitae Evidence Modeling of protein sequence and biophysical properties (such as structural, functional, and spatial information, amino acid conservation, physicochemical variation, residue mobility, and thermodynamic stability) has been performed for this missense variant. However, the output from this modeling did not meet the statistical confidence thresholds required to predict the impact of this variant on FAT2 protein function. In summary, the available evidence is currently insufficient to determine the role of this variant in disease. Therefore, it has been classified as a Variant of Uncertain Significance.

NM_001447.3(FAT2):c.1849G>A (p.Gly617Arg)

Gene: FAT2 (FAT atypical cadherin 2; minus strand). Cytogenetic location: 5q33.1.
Variant type: single nucleotide variant.
Coding change: c.1849G>A on transcript NM_001447.3 (MANE Select); coding-DNA position 1849, G replaced by A.
Protein change: p.Gly617Arg; replaces glycine 617 with arginine.
Molecular consequence: missense variant.
Genome position (GRCh38, 1-based): chr5:151,567,083, C>T on the plus strand (G>A on the coding strand, the complement: FAT2 is on the minus strand). VCF-style: chr5-151567083-C-T. GRCh37 (hg19) VCF-style: chr5-150946644-C-T.
Other names: short protein forms G617R.
Identifiers: ClinVar variation 2186095 (VCV002186095.4), dbSNP rs185188395, ClinGen allele CA3522177.